The following is an entry in ClinVar:

ClinVar aggregate classification (germline): Uncertain significance (1 of 4 stars; one submission).

Conditions:
Fanconi anemia (FA). Also called: Fanconi's anemia. Identifiers: Orphanet 84, MedGen C0015625, MeSH D005199, MONDO:0019391.

Allele frequency attached by ClinVar (database versions not stated): ExAC 0.00001; gnomAD 0.00001; gnomAD exomes 0.00001; TOPMed 0.00001.
gnomAD v4.1: 12 of 1,613,906 alleles (0.00074%); highest among the groups gnomAD compares: Non-Finnish European, 0.001%; no homozygotes.

Submission:

Labcorp Genetics (formerly Invitae), Labcorp
Classification: Uncertain significance for Fanconi anemia. Last evaluated: 2022-02-12. Review status: criteria provided, single submitter. Criteria: Invitae Variant Classification Sherloc (09022015). Collection method: clinical testing. Allele origin: germline.
Comment: This variant is present in population databases (rs775257359, gnomAD 0.002%). This sequence change replaces phenylalanine, which is neutral and non-polar, with cysteine, which is neutral and slightly polar, at codon 930 of the FANCI protein (p.Phe930Cys). This variant has not been reported in the literature in individuals affected with FANCI-related conditions. Algorithms developed to predict the effect of missense changes on protein structure and function are either unavailable or do not agree on the potential impact of this missense change (SIFT: "Deleterious"; PolyPhen-2: "Possibly Damaging"; Align-GVGD: "Class C0"). In summary, the available evidence is currently insufficient to determine the role of this variant in disease. Therefore, it has been classified as a Variant of Uncertain Significance.

NM_001113378.2(FANCI):c.2789T>G (p.Phe930Cys)

Gene: FANCI (FA complementation group I; plus strand). Cytogenetic location: 15q26.1.
Variant type: single nucleotide variant.
Coding change: c.2789T>G on transcript NM_001113378.2 (MANE Select); coding-DNA position 2789, T replaced by G.
Protein change: p.Phe930Cys; replaces phenylalanine 930 with cysteine.
Molecular consequence: missense variant.
Genome position (GRCh38, 1-based): chr15:89,299,952, T>G. VCF-style: chr15-89299952-T-G. GRCh37 (hg19) VCF-style: chr15-89843183-T-G.
Other names: c.2510T>G, p.Phe837Cys (NM_001376910.1); c.2789T>G, p.Phe930Cys (NM_001376911.1); c.2609T>G, p.Phe870Cys (NM_018193.3); short protein forms F837C, F870C, F930C.
Identifiers: ClinVar variation 2203397 (VCV002203397.2), dbSNP rs775257359, ClinGen allele CA7723456.